The following is an entry in ClinVar:

ClinVar aggregate classification (germline): Conflicting classifications of pathogenicity. Review status: criteria provided, conflicting classifications (1 of 4 stars). 3 submissions from 3 submitters: Uncertain significance (2); Likely benign (1). Last evaluated 2024-05-21.

Conditions:
Inborn genetic diseases. Identifiers: MedGen C0950123, MeSH D030342.
Charcot-Marie-Tooth disease axonal type 2O. Also called: Charcot-Marie-Tooth disease, axonal, type 20; CHARCOT-MARIE-TOOTH NEUROPATHY, AXONAL, TYPE 2O; CHARCOT-MARIE-TOOTH DISEASE, AXONAL, AUTOSOMAL DOMINANT, TYPE 2O; Charcot-Marie-Tooth Neuropathy Type 2O. Identifiers: Orphanet 284232, MedGen C3280220, MONDO:0013644, OMIM 614228.

Allele frequency attached by ClinVar (database versions not stated): gnomAD exomes below 0.00001; ExAC 0.00001.
gnomAD v4.1: 4 of 1,614,220 alleles (0.00025%); highest among the groups gnomAD compares: Admixed American, 0.0017%; no homozygotes.

Submissions (3):

Ambry Genetics
Classification: Uncertain significance for Inborn genetic diseases. Last evaluated: 2024-05-21. Review status: criteria provided, single submitter. Criteria: Ambry Variant Classification Scheme 2023. Collection method: clinical testing. Allele origin: germline.

GeneDx
Classification: Uncertain significance. Last evaluated: 2022-07-30. Review status: criteria provided, single submitter. Criteria: GeneDx Variant Classification Process June 2021. Collection method: clinical testing. Allele origin: germline. Affected: yes.
Comment: In silico analysis supports that this missense variant has a deleterious effect on protein structure/function; Has not been previously published as pathogenic or benign to our knowledge; This variant is associated with the following publications: (PMID: 26100331, 25609763, 25512093)

Labcorp Genetics (formerly Invitae), Labcorp
Classification: Likely benign for Charcot-Marie-Tooth disease axonal type 2O. Last evaluated: 2022-02-12. Review status: criteria provided, single submitter. Criteria: Invitae Variant Classification Sherloc (09022015). Collection method: clinical testing. Allele origin: germline.

NM_001376.5(DYNC1H1):c.13909G>A (p.Glu4637Lys)

Gene: DYNC1H1 (dynein cytoplasmic 1 heavy chain 1; plus strand). Cytogenetic location: 14q32.31.
Variant type: single nucleotide variant.
Coding change: c.13909G>A on transcript NM_001376.5 (MANE Select); coding-DNA position 13909, G replaced by A.
Protein change: p.Glu4637Lys; replaces glutamic acid 4637 with lysine.
Molecular consequence: missense variant.
Genome position (GRCh38, 1-based): chr14:102,050,531, G>A. VCF-style: chr14-102050531-G-A. GRCh37 (hg19) VCF-style: chr14-102516868-G-A.
Other names: short protein forms E4637K.
Identifiers: ClinVar variation 2073692 (VCV002073692.8), dbSNP rs746415747, ClinGen allele CA7354394.